The following is an entry in ClinVar:

ClinVar aggregate classification (germline): Pathogenic. Review status: criteria provided, multiple submitters, no conflicts (2 of 4 stars). 6 submissions from 6 submitters: Pathogenic (5). 1 of the submissions does not count toward it. Last evaluated 2025-12-24.

Conditions:
Citrullinemia. Identifiers: Orphanet 187, MedGen C0175683, MONDO:0015991.
Citrullinemia type I (CTNL1). Also called: argininosuccinate synthetase deficiency; ASS DEFICIENCY. Identifiers: Orphanet 247525, MedGen C4721769, MONDO:0008988, OMIM 215700.

Allele frequency attached by ClinVar (database versions not stated): gnomAD exomes below 0.00001 and 0.00002; ExAC 0.00001.
gnomAD v4.1: 26 of 1,614,168 alleles (0.0016%); highest among the groups gnomAD compares: East Asian, 0.0045%; no homozygotes.

Submissions (6):

Women's Health and Genetics/Laboratory Corporation of America, LabCorp
Classification: Pathogenic for Citrullinemia. Last evaluated: 2025-12-24. Review status: criteria provided, single submitter. Criteria: LabCorp Variant Classification Summary - May 2015. Collection method: clinical testing. Allele origin: germline.
Comment: Variant summary: ASS1 c.814C>T (p.Arg272Cys) results in a non-conservative amino acid change in the encoded protein sequence. Algorithms developed to predict the effect of missense changes on protein structure and function all suggest that this variant is likely to be disruptive. The variant allele was found at a frequency of 4e-06 in 251282 control chromosomes. c.814C>T has been observed in homozygous or compound heterpozygous genotype in individuals affected with Citrullinemia Type I (Kobayashi_1994, Gao_2003, Go_2012)). These data indicate that the variant is likely to be associated with disease. A different variant affecting the same codon has been classified as likely pathogenic/pathogenic by our lab (c.815G>A, p.Arg272His), supporting the critical relevance of codon 272 to ASS1 protein function. At least one publication reports experimental evidence evaluating an impact on protein function (Shaheen_1994). The most pronounced variant effect results in <10% of normal activity. The following publications have been ascertained in the context of this evaluation (PMID: 12815590, 22768672, 7977368, 8792870, 31469252). ClinVar contains an entry for this variant (Variation ID: 371132). Based on the evidence outlined above, the variant was classified as pathogenic.

Natera, Inc.
Classification: Pathogenic for Citrullinemia type I. Last evaluated: 2025-10-08. Review status: criteria provided, single submitter. Criteria: Natera Variant Classification Schema (03/2026). Collection method: clinical testing. Allele origin: germline.
Comment: The c.814C>T variant in ASS1 is a missense variant predicted to cause substitution of arginine to cysteine at amino acid 272. This variant is rare in the general population with a frequency below the threshold expected for the associated phenotype(s). This variant has been observed in one or more individuals affected with the associated recessive disease, as either homozygous or compound heterozygous with a second variant (PMID: 7977368, 12815590, 33851512). Additionally, this variant has been observed to segregate in affected family members (PMID: 33851512). Functional studies show that this variant may disrupt protein function (PMID: 7977368). Computational prediction algorithms indicate this variant is likely to affect gene or protein function. Given the available evidence, this variant is classified as Pathogenic.

Labcorp Genetics (formerly Invitae), Labcorp
Classification: Pathogenic for Citrullinemia. Last evaluated: 2025-06-03. Review status: criteria provided, single submitter. Criteria: Invitae Variant Classification Sherloc (09022015). Collection method: clinical testing. Allele origin: germline.
Comment: This sequence change replaces arginine, which is basic and polar, with cysteine, which is neutral and slightly polar, at codon 272 of the ASS1 protein (p.Arg272Cys). This variant is present in population databases (rs762387914, gnomAD 0.003%). This missense change has been observed in individual(s) with citrullinemia type I with evidence of co-segregation with disease (PMID: 7977368, 12815590, 22768672). It has also been observed to segregate with disease in related individuals. ClinVar contains an entry for this variant (Variation ID: 371132). Invitae Evidence Modeling of protein sequence and biophysical properties (such as structural, functional, and spatial information, amino acid conservation, physicochemical variation, residue mobility, and thermodynamic stability) has been performed for this missense variant. However, the output from this modeling did not meet the statistical confidence thresholds required to predict the impact of this variant on ASS1 protein function. Experimental studies have shown that this missense change affects ASS1 function (PMID: 8792870). For these reasons, this variant has been classified as Pathogenic.

Fulgent Genetics
Classification: Pathogenic for Citrullinemia type I. Last evaluated: 2024-05-05. Review status: criteria provided, single submitter. Criteria: ACMG Guidelines, 2015. Collection method: clinical testing. Allele origin: germline.

Juno Genomics, Hangzhou Juno Genomics, Inc
Classification: Pathogenic for Citrullinemia type I. Review status: criteria provided, single submitter. Criteria: ACMG Guidelines, 2015. Collection method: clinical testing. Allele origin: germline.
Comment: Absent from controls (or at extremely low frequency if recessive) in Genome Aggregation Database.;Well-established in vitro or in vivo functional studies supportive of a damaging effect on the gene or gene product.;For recessive disorders, detected in trans with a pathogenic variant.;Patient's phenotype or family history is highly specific for a disease with a single genetic etiology.;Co-segregation with disease in multiple affected family members.;Novel missense change at an amino acid residue where a different missense change determined to be pathogenic has been seen before.

Counsyl
Classification: Likely pathogenic for Citrullinemia type I. Last evaluated: 2016-07-07. Review status: no assertion criteria provided. Collection method: clinical testing. Allele origin: unknown. Not counted in ClinVar's aggregate classification.

Literature cited by the submitters: PubMed 7977368 (cited by 4 submitters); PubMed 12815590 (cited by 4 submitters); PubMed 31469252 (cited by Women's Health and Genetics/Laboratory Corporation of America, LabCorp); PubMed 22768672 (cited by 3 submitters); PubMed 8792870 (cited by 3 submitters); PubMed 33851512 (cited by Natera, Inc.); PubMed 27287393 (cited by Counsyl).

NM_054012.4(ASS1):c.814C>T (p.Arg272Cys)

Gene: ASS1 (argininosuccinate synthase 1; plus strand). Cytogenetic location: 9q34.11.
Variant type: single nucleotide variant.
Coding change: c.814C>T on transcript NM_054012.4 (MANE Select); coding-DNA position 814, C replaced by T.
Protein change: p.Arg272Cys; replaces arginine 272 with cysteine.
Molecular consequence: missense variant.
Genome position (GRCh38, 1-based): chr9:130,480,425, C>T. VCF-style: chr9-130480425-C-T. GRCh37 (hg19) VCF-style: chr9-133355812-C-T.
Other names: c.814C>T, p.Arg272Cys (NM_000050.4); short protein forms R272C.
Identifiers: ClinVar variation 371132 (VCV000371132.23), dbSNP rs762387914, ClinGen allele CA5283537.
Genomic context (GRCh38, chr9:130,480,425, plus strand): 5'-TGGACCAGTTCTTCCCACAGGGGCAAGCATGGCGTGGGCCGTATTGACATCGTGGAGAAC[C>T]GCTTCATTGGAATGAAGTCCCGAGGTGAGTCTGCTCAGCCTCCCTCAGGGCCTGCCTCGG-3'
Protein context (NP_446464.1, residues 262-282): GVGRIDIVEN[Arg272Cys]FIGMKSRGIY